The following is an entry in ClinVar:

NM_004415.4(DSP):c.8213A>G (p.Asp2738Gly)

Gene: DSP (desmoplakin; plus strand). Cytogenetic location: 6p24.3.
Variant type: single nucleotide variant.
Coding change: c.8213A>G on transcript NM_004415.4 (MANE Select); coding-DNA position 8213, A replaced by G.
Protein change: p.Asp2738Gly; replaces aspartic acid 2738 with glycine.
Molecular consequence: missense variant.
Genome position (GRCh38, 1-based): chr6:7,585,475, A>G. VCF-style: chr6-7585475-A-G. GRCh37 (hg19) VCF-style: chr6-7585708-A-G.
Other names: c.6416A>G, p.Asp2139Gly (NM_001008844.3); c.6884A>G, p.Asp2295Gly (NM_001319034.2); short protein forms D2139G, D2295G, D2738G.
Identifiers: ClinVar variation 1332503 (VCV001332503.6), dbSNP rs2113704486, ClinGen allele CA362694682.

ClinVar aggregate classification (germline): Uncertain significance. Review status: criteria provided, multiple submitters, no conflicts (2 of 4 stars). 3 submissions from 3 submitters: Uncertain significance (3). Last evaluated 2024-09-23.

Conditions:
Arrhythmogenic cardiomyopathy with wooly hair and keratoderma. Also called: Carvajal syndrome; Dilated cardiomyopathy with woolly hair and keratoderma; Arrhythmogenic cardiomyopathy with woolly hair and keratoderma; PALMOPLANTAR KERATODERMA WITH LEFT VENTRICULAR CARDIOMYOPATHY AND WOOLLY HAIR. Identifiers: Orphanet 65282, MedGen C1854063, MONDO:0011581, OMIM 605676.
Cardiomyopathy (CMYO). Also called: Cardiomyopathies. Identifiers: Orphanet 167848, MedGen C0878544, MONDO:0004994, HP:0001638. Inheritance: Various modes of inheritance.
Cardiovascular phenotype. Identifiers: MedGen CN230736.

Submissions (3):

All of Us Research Program, National Institutes of Health
Classification: Uncertain significance for Arrhythmogenic cardiomyopathy with wooly hair and keratoderma. Last evaluated: 2024-09-23. Review status: criteria provided, single submitter. Criteria: ACMG Guidelines, 2015. Collection method: clinical testing. Allele origin: germline. Inheritance: Autosomal dominant inheritance. Observed: 1 variant allele, 1 heterozygote.
Comment: This study involves interpretation of variants in research participants for the purpose of population health screening. Participant phenotype was not available at the time of variant classification. Additional details can be found in publication PMID: 35346344, PMCID: PMC8962531

Color Diagnostics, LLC DBA Color Health
Classification: Uncertain significance for Cardiomyopathy. Last evaluated: 2024-03-06. Review status: criteria provided, single submitter. Criteria: ACMG Guidelines, 2015. Collection method: clinical testing. Allele origin: germline.
Comment: This missense variant replaces aspartic acid with glycine at codon 2738 of the DSP protein. Computational prediction suggests that this variant may have deleterious impact on protein structure and function (internally defined REVEL score threshold >= 0.7, PMID: 27666373). To our knowledge, functional studies have not been reported for this variant. This variant has not been reported in individuals affected with cardiovascular disorders in the literature. This variant has not been identified in the general population by the Genome Aggregation Database (gnomAD). The available evidence is insufficient to determine the role of this variant in disease conclusively. Therefore, this variant is classified as a Variant of Uncertain Significance.

Ambry Genetics
Classification: Uncertain significance for Cardiovascular phenotype. Last evaluated: 2020-01-24. Review status: criteria provided, single submitter. Criteria: Ambry Variant Classification Scheme 2023. Collection method: clinical testing. Allele origin: germline.
Comment: The p.D2738G variant (also known as c.8213A>G), located in coding exon 24 of the DSP gene, results from an A to G substitution at nucleotide position 8213. The aspartic acid at codon 2738 is replaced by glycine, an amino acid with similar properties. This amino acid position is highly conserved through mammals but not in all available vertebrate species. In addition, this alteration is predicted to be deleterious by in silico analysis. Since supporting evidence is limited at this time, the clinical significance of this alteration remains unclear.